The following continues an entry in ClinVar:

NM_007194.4(CHEK2):c.1265G>A (p.Ser422Asn)

Gene: CHEK2. ClinVar aggregate classification (germline): Uncertain significance. Uncertain significance (10).

Submissions 11 to 15 of 15:

PreventionGenetics, part of Exact Sciences
Classification: Uncertain significance for CHEK2-related condition. Last evaluated: 2024-05-01. Review status: no assertion criteria provided. Collection method: clinical testing. Allele origin: germline. Not counted in ClinVar's aggregate classification.
Comment: The CHEK2 c.1265G>A variant is predicted to result in the amino acid substitution p.Ser422Asn. This variant has been reported in patients with breast cancer and renal cell carcinoma (Table S3, Girard et al. 2019. PubMed ID: 30303537; Table S1B, Yngvadottir et al. 2022. PubMed ID: 35441217). This variant is reported in 0.0029% of alleles in individuals of Latino descent in gnomAD and is interpreted as uncertain in ClinVar. At this time, the clinical significance of this variant is uncertain due to the absence of conclusive functional and genetic evidence.

Counsyl
Classification: Uncertain significance for Familial cancer of breast. Last evaluated: 2017-09-22. Review status: no assertion criteria provided. Collection method: clinical testing. Allele origin: unknown. Not counted in ClinVar's aggregate classification.

Clinical Genetics Laboratory, Department of Pathology, Netherlands Cancer Institute
Classification: Uncertain significance. Review status: no assertion criteria provided. Collection method: clinical testing. Allele origin: germline. Affected: yes. Study: VKGL Data-share Consensus. Not counted in ClinVar's aggregate classification.

Genome Diagnostics Laboratory, University Medical Center Utrecht
Classification: Uncertain significance. Review status: no assertion criteria provided. Collection method: clinical testing. Allele origin: germline. Affected: yes. Study: VKGL Data-share Consensus. Not counted in ClinVar's aggregate classification.

Joint Genome Diagnostic Labs from Nijmegen and Maastricht, Radboudumc and MUMC+
Classification: Uncertain significance. Review status: no assertion criteria provided. Collection method: clinical testing. Allele origin: germline. Affected: yes. Study: VKGL Data-share Consensus. Not counted in ClinVar's aggregate classification.

Literature cited by the submitters: PubMed 37449874 (cited by 4 submitters); PubMed 30303537 (cited by 5 submitters); PubMed 28779002 (cited by Ambry Genetics and Color Diagnostics, LLC DBA Color Health); PubMed 33471991 (cited by 3 submitters); PubMed 30287823 (cited by Color Diagnostics, LLC DBA Color Health); PubMed 35585550 (cited by Color Diagnostics, LLC DBA Color Health).